The following is an entry in ClinVar:

NM_017617.5(NOTCH1):c.5192C>T (p.Pro1731Leu)

Gene: NOTCH1 (notch receptor 1; minus strand). Cytogenetic location: 9q34.3.
Variant type: single nucleotide variant.
Coding change: c.5192C>T on transcript NM_017617.5 (MANE Select); coding-DNA position 5192, C replaced by T.
Protein change: p.Pro1731Leu; replaces proline 1731 with leucine.
Molecular consequence: missense variant.
Genome position (GRCh38, 1-based): chr9:136,502,464, G>A on the plus strand (C>T on the coding strand, the complement: NOTCH1 is on the minus strand). VCF-style: chr9-136502464-G-A. GRCh37 (hg19) VCF-style: chr9-139396916-G-A.
Other names: short protein forms P1731L.
Identifiers: ClinVar variation 1210604 (VCV001210604.10), dbSNP rs761345476, ClinGen allele CA5340367.

ClinVar aggregate classification (germline): Conflicting classifications of pathogenicity. Review status: criteria provided, conflicting classifications (1 of 4 stars). 4 submissions from 4 submitters: Uncertain significance (1); Benign (1); Likely benign (2). Last evaluated 2025-01-14.

Conditions:
Adams-Oliver syndrome 5 (AOS5). Identifiers: Orphanet 974, MedGen C4014970, MONDO:0014459, OMIM 616028.
Familial thoracic aortic aneurysm and aortic dissection (TAAD). Also called: Thoracic aortic aneurysms and dissections. Identifiers: Orphanet 91387, MedGen C4707243, MONDO:0019625.

Allele frequency attached by ClinVar (database versions not stated): TOPMed 0.00001; gnomAD exomes 0.00008 and 0.00014; gnomAD 0.00013 and 0.00014; ExAC 0.00021.
gnomAD v4.1: 129 of 1,584,628 alleles (0.0081%); highest among the groups gnomAD compares: Admixed American, 0.014%; no homozygotes.

Submissions (4):

Labcorp Genetics (formerly Invitae), Labcorp
Classification: Benign for Adams-Oliver syndrome 5. Last evaluated: 2025-01-14. Review status: criteria provided, single submitter. Criteria: Invitae Variant Classification Sherloc (09022015). Collection method: clinical testing. Allele origin: germline.

Ambry Genetics
Classification: Likely benign for Familial thoracic aortic aneurysm and aortic dissection. Last evaluated: 2024-05-23. Review status: criteria provided, single submitter. Criteria: Ambry Variant Classification Scheme 2023. Collection method: clinical testing. Allele origin: germline.

Blueprint Genetics
Classification: Likely benign. Last evaluated: 2024-03-11. Review status: criteria provided, single submitter. Criteria: ACMG Guidelines, 2015. Collection method: clinical testing. Allele origin: germline.

GeneDx
Classification: Uncertain significance. Last evaluated: 2019-05-01. Review status: criteria provided, single submitter. Criteria: GeneDx Variant Classification Process June 2021. Collection method: clinical testing. Allele origin: germline. Affected: yes.
Comment: In silico analysis, which includes protein predictors and evolutionary conservation, supports a deleterious effect; Has not been previously published as pathogenic or benign to our knowledge